The following is an entry in ClinVar:

NM_017617.5(NOTCH1):c.5775C>G (p.Asp1925Glu)

Gene: NOTCH1 (notch receptor 1; minus strand). Cytogenetic location: 9q34.3.
Variant type: single nucleotide variant.
Coding change: c.5775C>G on transcript NM_017617.5 (MANE Select); coding-DNA position 5775, C replaced by G.
Protein change: p.Asp1925Glu; replaces aspartic acid 1925 with glutamic acid.
Molecular consequence: missense variant.
Genome position (GRCh38, 1-based): chr9:136,500,711, G>C on the plus strand (C>G on the coding strand, the complement: NOTCH1 is on the minus strand). VCF-style: chr9-136500711-G-C. GRCh37 (hg19) VCF-style: chr9-139395163-G-C.
Other names: short protein forms D1925E.
Identifiers: ClinVar variation 5025798 (VCV005025798.1).

ClinVar aggregate classification (germline): Uncertain significance (1 of 4 stars; one submission).

Conditions:
Familial thoracic aortic aneurysm and aortic dissection (TAAD). Also called: Thoracic aortic aneurysms and dissections. Identifiers: Orphanet 91387, MedGen C4707243, MONDO:0019625.

Submission:

Ambry Genetics
Classification: Uncertain significance for Familial thoracic aortic aneurysm and aortic dissection. Last evaluated: 2026-07-09. Review status: criteria provided, single submitter. Criteria: Ambry Variant Classification Scheme 2023. Collection method: clinical testing. Allele origin: germline.
Comment: The p.D1925E variant (also known as c.5775C>G), located in coding exon 31 of the NOTCH1 gene, results from a C to G substitution at nucleotide position 5775. The aspartic acid at codon 1925 is replaced by glutamic acid, an amino acid with highly similar properties. This amino acid position is conserved. In addition, the in silico prediction for this alteration is inconclusive. Based on the available evidence, the clinical significance of this variant remains unclear.